The following is an entry in ClinVar:

ClinVar aggregate classification (germline): Uncertain significance. Review status: criteria provided, multiple submitters, no conflicts (2 of 4 stars). 3 submissions from 3 submitters: Uncertain significance (3). Last evaluated 2025-02-15.

Conditions:
NEXMIF-related disorder. Also called: NEXMIF-related condition.

Allele frequency attached by ClinVar (database versions not stated): TOPMed below 0.00001; gnomAD 0.00001.
gnomAD v4.1: 1 of 1,209,235 alleles (0.000083%); highest among the groups gnomAD compares: African/African-American, 0.0017%; no homozygotes.

Submissions (3):

PreventionGenetics, part of Exact Sciences
Classification: Uncertain significance for NEXMIF-related condition. Last evaluated: 2025-02-15. Review status: criteria provided, single submitter. Criteria: ACMG Guidelines, 2015. Collection method: clinical testing. Allele origin: germline.
Comment: The NEXMIF c.2341G>A variant is predicted to result in the amino acid substitution p.Ala781Thr. To our knowledge, this variant has not been reported in the literature or in a large population database (gnomAD), indicating this variant is rare. At this time, the clinical significance of this variant is uncertain due to the absence of conclusive functional and genetic evidence.

GeneDx
Classification: Uncertain significance. Last evaluated: 2024-04-14. Review status: criteria provided, single submitter. Criteria: GeneDx Variant Classification Process June 2021. Collection method: clinical testing. Allele origin: germline. Affected: yes.
Comment: Not observed at significant frequency in large population cohorts (gnomAD); In silico analysis indicates that this missense variant does not alter protein structure/function; Has not been previously published as pathogenic or benign to our knowledge

Labcorp Genetics (formerly Invitae), Labcorp
Classification: Uncertain significance. Last evaluated: 2022-08-09. Review status: criteria provided, single submitter. Criteria: Invitae Variant Classification Sherloc (09022015). Collection method: clinical testing. Allele origin: germline.
Comment: This variant has not been reported in the literature in individuals affected with NEXMIF-related conditions. In summary, the available evidence is currently insufficient to determine the role of this variant in disease. Therefore, it has been classified as a Variant of Uncertain Significance. Algorithms developed to predict the effect of missense changes on protein structure and function (SIFT, PolyPhen-2, Align-GVGD) all suggest that this variant is likely to be tolerated. ClinVar contains an entry for this variant (Variation ID: 1463475). This variant is not present in population databases (gnomAD no frequency). This sequence change replaces alanine, which is neutral and non-polar, with threonine, which is neutral and polar, at codon 781 of the NEXMIF protein (p.Ala781Thr).

NM_001008537.3(NEXMIF):c.2341G>A (p.Ala781Thr)

Gene: NEXMIF (neurite extension and migration factor; minus strand). Cytogenetic location: Xq13.3.
Variant type: single nucleotide variant.
Coding change: c.2341G>A on transcript NM_001008537.3 (MANE Select); coding-DNA position 2341, G replaced by A.
Protein change: p.Ala781Thr; replaces alanine 781 with threonine.
Molecular consequence: missense variant.
Genome position (GRCh38, 1-based): chrX:74,742,216, C>T on the plus strand (G>A on the coding strand, the complement: NEXMIF is on the minus strand). VCF-style: chrX-74742216-C-T. GRCh37 (hg19) VCF-style: chrX-73962051-C-T.
Other names: c.2341G>A (NM_001008537.2, NM_001008537.1); short protein forms A781T.
Identifiers: ClinVar variation 1463475 (VCV001463475.10), dbSNP rs2080107838, ClinGen allele CA413668430.